The following is an entry in ClinVar:

ClinVar aggregate classification (germline): Uncertain significance (1 of 4 stars; one submission).

Allele frequency attached by ClinVar (database versions not stated): ExAC 0.00001.
gnomAD v4.1: 3 of 1,614,210 alleles (0.00019%); highest among the groups gnomAD compares: Non-Finnish European, 0.00025%; no homozygotes.

Submission:

Labcorp Genetics (formerly Invitae), Labcorp
Classification: Uncertain significance. Last evaluated: 2022-06-15. Review status: criteria provided, single submitter. Criteria: Invitae Variant Classification Sherloc (09022015). Collection method: clinical testing. Allele origin: germline.
Comment: This sequence change replaces glutamine, which is neutral and polar, with histidine, which is basic and polar, at codon 694 of the KIAA0556 protein (p.Gln694His). This variant is present in population databases (rs753820755, gnomAD 0.0009%). This variant has not been reported in the literature in individuals affected with KIAA0556-related conditions. Algorithms developed to predict the effect of missense changes on protein structure and function (SIFT, PolyPhen-2, Align-GVGD) all suggest that this variant is likely to be tolerated. In summary, the available evidence is currently insufficient to determine the role of this variant in disease. Therefore, it has been classified as a Variant of Uncertain Significance.

NM_015202.5(KATNIP):c.2082G>C (p.Gln694His)

Gene: KATNIP (katanin interacting protein; plus strand). Cytogenetic location: 16p12.1.
Variant type: single nucleotide variant.
Coding change: c.2082G>C on transcript NM_015202.5 (MANE Select); coding-DNA position 2082, G replaced by C.
Protein change: p.Gln694His; replaces glutamine 694 with histidine.
Molecular consequence: missense variant.
Genome position (GRCh38, 1-based): chr16:27,740,379, G>C. VCF-style: chr16-27740379-G-C. GRCh37 (hg19) VCF-style: chr16-27751700-G-C.
Other names: short protein forms Q694H.
Identifiers: ClinVar variation 2097826 (VCV002097826.1), dbSNP rs753820755, ClinGen allele CA7977891.